The following is an entry in ClinVar:

ClinVar aggregate classification (germline): Pathogenic (1 of 4 stars; one submission).

Conditions:
Hereditary cancer-predisposing syndrome. Also called: Hereditary Cancer Syndrome; Neoplastic Syndromes, Hereditary; Hereditary neoplastic syndrome; Tumor predisposition. Identifiers: Orphanet 140162, MedGen C0027672, MeSH D009386, MONDO:0015356.

Submission:

Ambry Genetics
Classification: Pathogenic for Hereditary cancer-predisposing syndrome. Last evaluated: 2016-02-28. Review status: criteria provided, single submitter. Criteria: Ambry Variant Classification Scheme 2023. Collection method: clinical testing. Allele origin: germline.
Comment: The p.S1618* pathogenic mutation (also known as c.4853C>A), located in coding exon 22 of the DICER1 gene, results from a C to A substitution at nucleotide position 4853. This changes the amino acid from a serine to a stop codon within coding exon 22. Since premature stop codons are typically deleterious in nature, this alteration is interpreted as a disease-causing mutation (ACMG Recommendations for Standards for Interpretation and Reporting of Sequence Variations. Revision 2007. Genet Med. 2008;10:294).

NM_177438.3(DICER1):c.4853C>A (p.Ser1618Ter)

Gene: DICER1 (dicer 1, ribonuclease III; minus strand). Cytogenetic location: 14q32.13.
Variant type: single nucleotide variant.
Coding change: c.4853C>A on transcript NM_177438.3 (MANE Select); coding-DNA position 4853, C replaced by A.
Protein change: p.Ser1618Ter; replaces serine 1618 with a stop codon.
Molecular consequence: nonsense.
Genome position (GRCh38, 1-based): chr14:95,096,067, G>T on the plus strand (C>A on the coding strand, the complement: DICER1 is on the minus strand). VCF-style: chr14-95096067-G-T. GRCh37 (hg19) VCF-style: chr14-95562404-G-T.
Other names: c.4853C>A, p.Ser1618Ter (NM_001195573.1, NM_001271282.3, NM_001291628.2 and 1 more transcripts); short protein forms S1618*.
Identifiers: ClinVar variation 429140 (VCV000429140.5), dbSNP rs377205344, ClinGen allele CA390866734.
Genomic context (GRCh38, chr14:95,096,067, plus strand): 5'-TCCGAGTCTTTCAATACAGAAGAGCGTGAACTGGCCACAGAAGCAGCAGCACAGCTCACT[G>T]AAAGGTTCTTTTGTTGGCTGTTGAAATTCTCCCGAGTAGGGCACAGGGCCTTTTCCCGAT-3'